The following is an entry in ClinVar:

NM_002292.4(LAMB2):c.3109C>T (p.Arg1037Cys)

Gene: LAMB2 (laminin subunit beta 2; minus strand). Cytogenetic location: 3p21.31.
Variant type: single nucleotide variant.
Coding change: c.3109C>T on transcript NM_002292.4 (MANE Select); coding-DNA position 3109, C replaced by T.
Protein change: p.Arg1037Cys; replaces arginine 1037 with cysteine.
Molecular consequence: missense variant.
Genome position (GRCh38, 1-based): chr3:49,124,701, G>A on the plus strand (C>T on the coding strand, the complement: LAMB2 is on the minus strand). VCF-style: chr3-49124701-G-A. GRCh37 (hg19) VCF-style: chr3-49162134-G-A.
Other names: short protein forms R1037C.
Identifiers: ClinVar variation 472474 (VCV000472474.2), dbSNP rs201159870, ClinGen allele CA74479947.

ClinVar aggregate classification (germline): Uncertain significance. Review status: criteria provided, multiple submitters, no conflicts (2 of 4 stars). 2 submissions from 2 submitters: Uncertain significance (2). Last evaluated 2022-03-30.

Conditions:
Pierson syndrome. Also called: MICROCORIA-CONGENITAL NEPHROTIC SYNDROME. Identifiers: Orphanet 2670, MedGen C1836876, MONDO:0012184, OMIM 609049.
LAMB2-related infantile-onset nephrotic syndrome. Also called: NEPHROTIC SYNDROME, TYPE 5, WITHOUT OCULAR ABNORMALITIES; NEPHROTIC SYNDROME, TYPE 5, WITH OCULAR ABNORMALITIES; Nephrotic Syndrome, type 5. Identifiers: Orphanet 306507, MedGen C3280113, MONDO:0013621, OMIM 614199.

Allele frequency attached by ClinVar (database versions not stated): gnomAD 0.00001; gnomAD exomes 0.00001; TOPMed 0.00001; 1000 Genomes Project 30x 0.00016; 1000 Genomes Project 0.00020.
gnomAD v4.1: 11 of 1,614,142 alleles (0.00068%); highest among the groups gnomAD compares: Non-Finnish European, 0.00076%; no homozygotes.

Submissions (2):

Fulgent Genetics
Classification: Uncertain significance for Pierson syndrome; LAMB2-related infantile-onset nephrotic syndrome. Last evaluated: 2022-03-30. Review status: criteria provided, single submitter. Criteria: ACMG Guidelines, 2015. Collection method: clinical testing. Allele origin: unknown.

Labcorp Genetics (formerly Invitae), Labcorp
Classification: Uncertain significance for LAMB2-related infantile-onset nephrotic syndrome; Pierson syndrome. Last evaluated: 2016-11-18. Review status: criteria provided, single submitter. Criteria: Invitae Variant Classification Sherloc (09022015). Collection method: clinical testing. Allele origin: germline.
Comment: This sequence change replaces arginine with cysteine at codon 1037 of the LAMB2 protein (p.Arg1037Cys). The arginine residue is highly conserved and there is a large physicochemical difference between arginine and cysteine. It also falls at the last nucleotide of exon 21 of the LAMB2 coding sequence. This variant is not present in population databases (ExAC no frequency) and has not been reported in the literature in individuals with a LAMB2-related disease. Algorithms developed to predict the effect of missense changes on protein structure and function (SIFT, PolyPhen-2, Align-GVGD) all suggest that this variant is likely to be disruptive, but these predictions have not been confirmed by published functional studies. Algorithms developed to predict the effect of sequence changes on RNA splicing suggest that this variant may alter RNA splicing, but this prediction has not been confirmed by published transcriptional studies. In summary, this variant is a novel missense change with uncertain impact on mRNA splicing and protein function. It has been classified as a Variant of Uncertain Significance.